The following is an entry in ClinVar:

ClinVar aggregate classification (germline): Pathogenic (1 of 4 stars; one submission).

Conditions:
Early-infantile DEE. Also called: Early infantile epileptic encephalopathy with suppression bursts; Early infantile epileptic encephalopathy; Ohtahara syndrome. Identifiers: Orphanet 1934, MedGen C0393706, MONDO:0800491.

Submission:

Labcorp Genetics (formerly Invitae), Labcorp
Classification: Pathogenic for Early-infantile DEE. Last evaluated: 2025-09-29. Review status: criteria provided, single submitter. Criteria: Invitae Variant Classification Sherloc (09022015). Collection method: clinical testing. Allele origin: germline.
Comment: This sequence change replaces tyrosine, which is neutral and polar, with cysteine, which is neutral and slightly polar, at codon 83 of the SCN1A protein (p.Tyr83Cys). This variant is not present in population databases (gnomAD no frequency). This missense change has been observed in individual(s) with clinical features of SCN1A-related conditions (PMID: 30945278; internal data). In at least one individual the variant was observed to be de novo. ClinVar contains an entry for this variant (Variation ID: 643007). Invitae Evidence Modeling of protein sequence and biophysical properties (such as structural, functional, and spatial information, amino acid conservation, physicochemical variation, residue mobility, and thermodynamic stability) indicates that this missense variant is expected to disrupt SCN1A protein function with a positive predictive value of 95%. For these reasons, this variant has been classified as Pathogenic.

Literature cited by the submitters: PubMed 30945278.

NM_001165963.4(SCN1A):c.248A>G (p.Tyr83Cys)

Gene: SCN1A (sodium voltage-gated channel alpha subunit 1; minus strand). Cytogenetic location: 2q24.3.
Variant type: single nucleotide variant.
Coding change: c.248A>G on transcript NM_001165963.4 (MANE Select); coding-DNA position 248, A replaced by G.
Protein change: p.Tyr83Cys; replaces tyrosine 83 with cysteine.
Molecular consequence: missense variant. On other transcripts: 5 prime UTR variant (1), non-coding transcript variant (1).
Genome position (GRCh38, 1-based): chr2:166,073,374, T>C on the plus strand (A>G on the coding strand, the complement: SCN1A is on the minus strand). VCF-style: chr2-166073374-T-C. GRCh37 (hg19) VCF-style: chr2-166929884-T-C.
Other names: c.248A>G, p.Tyr83Cys (NM_001165964.3, NM_001202435.3, NM_001353948.2 and 10 more transcripts); c.-2178A>G (NM_001353961.2); short protein forms Y83C.
Identifiers: ClinVar variation 643007 (VCV000643007.9), dbSNP rs1574371399, ClinGen allele CA349242664.